The following is an entry in ClinVar:

NM_001844.5(COL2A1):c.310-2A>G

Gene: COL2A1 (collagen type II alpha 1 chain; minus strand). Cytogenetic location: 12q13.11.
Variant type: single nucleotide variant.
Coding change: c.310-2A>G on transcript NM_001844.5 (MANE Select); the canonical splice acceptor site of the intron before coding-DNA position 310, A replaced by G.
Molecular consequence: splice acceptor variant.
Genome position (GRCh38, 1-based): chr12:47,998,203, T>C on the plus strand (A>G on the coding strand, the complement: COL2A1 is on the minus strand). VCF-style: chr12-47998203-T-C. GRCh37 (hg19) VCF-style: chr12-48391986-T-C.
Other names: c.103-2A>G (NM_033150.3).
Identifiers: ClinVar variation 2812353 (VCV002812353.3), dbSNP rs2540182840, ClinGen allele CA384525455.

ClinVar aggregate classification (germline): Likely pathogenic (1 of 4 stars; one submission).

Submission:

Labcorp Genetics (formerly Invitae), Labcorp
Classification: Likely pathogenic. Last evaluated: 2022-11-06. Review status: criteria provided, single submitter. Criteria: Invitae Variant Classification Sherloc (09022015). Collection method: clinical testing. Allele origin: germline.
Comment: In summary, the currently available evidence indicates that the variant is pathogenic, but additional data are needed to prove that conclusively. Therefore, this variant has been classified as Likely Pathogenic. Algorithms developed to predict the effect of sequence changes on RNA splicing suggest that this variant may disrupt the consensus splice site. This variant has not been reported in the literature in individuals affected with COL2A1-related conditions. This variant is not present in population databases (gnomAD no frequency). This sequence change affects an acceptor splice site in intron 3 of the COL2A1 gene. It is expected to disrupt RNA splicing. Variants that disrupt the donor or acceptor splice site typically lead to a loss of protein function (PMID: 16199547), and loss-of-function variants in COL2A1 are known to be pathogenic (PMID: 20179744).

Literature cited by the submitters: PubMed 16199547; PubMed 20179744.